The following is an entry in ClinVar:

NM_001281740.3(FHOD3):c.2464G>T (p.Val822Phe)

Gene: FHOD3 (formin homology 2 domain containing 3; plus strand). Cytogenetic location: 18q12.2.
Variant type: single nucleotide variant.
Coding change: c.2464G>T on transcript NM_001281740.3 (MANE Select); coding-DNA position 2464, G replaced by T.
Protein change: p.Val822Phe; replaces valine 822 with phenylalanine.
Molecular consequence: missense variant.
Genome position (GRCh38, 1-based): chr18:36,709,322, G>T. VCF-style: chr18-36709322-G-T. GRCh37 (hg19) VCF-style: chr18-34289285-G-T.
Other names: NC_000018.9:g.34289285G>T; c.1888G>T, p.Val630Phe (NM_001281739.3); c.1939G>T, p.Val647Phe (NM_025135.5); short protein forms V630F, V647F, V822F.
Identifiers: ClinVar variation 1678763 (VCV001678763.6), dbSNP rs61735998, ClinGen allele CA8941869.

ClinVar aggregate classification (germline): Benign/Likely benign. Review status: criteria provided, multiple submitters, no conflicts (2 of 4 stars). 4 submissions from 4 submitters: Benign (2); Likely benign (2). Last evaluated 2025-04-09.

Allele frequency attached by ClinVar (database versions not stated): 1000 Genomes Project 0.00579; 1000 Genomes Project 30x 0.00593; ExAC 0.01354; ESP Exome Variant Server 0.01661.
gnomAD v4.1: 32,051 of 1,614,232 alleles (2%); highest among the groups gnomAD compares: Non-Finnish European, 2.4%; 389 homozygotes.

Submissions 1 to 33 of 53:

Molecular Diagnostic Laboratory for Inherited Cardiovascular Disease, Montreal Heart Institute
Classification: Benign. Last evaluated: 2025-04-09. Review status: criteria provided, single submitter. Criteria: ACMG Guidelines, 2015. Collection method: clinical testing. Allele origin: germline. Affected: no.

Blueprint Genetics
Classification: Benign. Last evaluated: 2024-11-28. Review status: criteria provided, single submitter. Criteria: ACMG Guidelines, 2015. Collection method: clinical testing. Allele origin: germline.

GeneDx
Classification: Likely benign. Last evaluated: 2023-01-10. Review status: criteria provided, single submitter. Criteria: GeneDx Variant Classification Process June 2021. Collection method: clinical testing. Allele origin: germline. Affected: yes.
Comment: See Variant Classification Assertion Criteria.

Breakthrough Genomics
Classification: Likely benign. Review status: criteria provided, single submitter. Criteria: ACMG Guidelines, 2015. Collection method: not provided. Allele origin: germline. Inheritance: Autosomal dominant inheritance. Affected: yes.

Dr. Peter K. Rogan Lab, Western University
No classification provided (evidence only). Condition: Lung cancer. Review status: no classification provided. Collection method: in vitro. Allele origin: not applicable. Functional consequence: retained intron. Not counted in ClinVar's aggregate classification.

Dr. Peter K. Rogan Lab, Western University
No classification provided (evidence only). Condition: Lung cancer. Review status: no classification provided. Collection method: in vitro. Allele origin: not applicable. Functional consequence: retained intron. Not counted in ClinVar's aggregate classification.

Dr. Peter K. Rogan Lab, Western University
No classification provided (evidence only). Condition: Lung cancer. Review status: no classification provided. Collection method: in vitro. Allele origin: not applicable. Functional consequence: skipped exon. Not counted in ClinVar's aggregate classification.

Dr. Peter K. Rogan Lab, Western University
No classification provided (evidence only). Condition: Lung cancer. Review status: no classification provided. Collection method: in vitro. Allele origin: not applicable. Functional consequence: skipped exon. Not counted in ClinVar's aggregate classification.

Dr. Peter K. Rogan Lab, Western University
No classification provided (evidence only). Condition: Lung cancer. Review status: no classification provided. Collection method: in vitro. Allele origin: not applicable. Functional consequence: skipped exon. Not counted in ClinVar's aggregate classification.

Dr. Peter K. Rogan Lab, Western University
No classification provided (evidence only). Condition: Lung cancer. Review status: no classification provided. Collection method: in vitro. Allele origin: not applicable. Functional consequence: skipped exon. Not counted in ClinVar's aggregate classification.

Dr. Peter K. Rogan Lab, Western University
No classification provided (evidence only). Condition: Lung cancer. Review status: no classification provided. Collection method: in vitro. Allele origin: not applicable. Functional consequence: skipped exon. Not counted in ClinVar's aggregate classification.

Dr. Peter K. Rogan Lab, Western University
No classification provided (evidence only). Condition: Melanoma. Review status: no classification provided. Collection method: in vitro. Allele origin: not applicable. Functional consequence: skipped exon, retained intron. Not counted in ClinVar's aggregate classification.

Dr. Peter K. Rogan Lab, Western University
No classification provided (evidence only). Condition: Melanoma. Review status: no classification provided. Collection method: in vitro. Allele origin: not applicable. Functional consequence: skipped exon. Not counted in ClinVar's aggregate classification.

Dr. Peter K. Rogan Lab, Western University
No classification provided (evidence only). Condition: Melanoma. Review status: no classification provided. Collection method: in vitro. Allele origin: not applicable. Functional consequence: skipped exon. Not counted in ClinVar's aggregate classification.

Dr. Peter K. Rogan Lab, Western University
No classification provided (evidence only). Condition: Colon adenocarcinoma. Review status: no classification provided. Collection method: in vitro. Allele origin: not applicable. Functional consequence: skipped exon, retained intron. Not counted in ClinVar's aggregate classification.

Dr. Peter K. Rogan Lab, Western University
No classification provided (evidence only). Condition: Colon adenocarcinoma. Review status: no classification provided. Collection method: in vitro. Allele origin: not applicable. Functional consequence: skipped exon. Not counted in ClinVar's aggregate classification.

Dr. Peter K. Rogan Lab, Western University
No classification provided (evidence only). Condition: Colon adenocarcinoma. Review status: no classification provided. Collection method: in vitro. Allele origin: not applicable. Functional consequence: skipped exon. Not counted in ClinVar's aggregate classification.

Dr. Peter K. Rogan Lab, Western University
No classification provided (evidence only). Condition: Colon adenocarcinoma. Review status: no classification provided. Collection method: in vitro. Allele origin: not applicable. Functional consequence: skipped exon. Not counted in ClinVar's aggregate classification.

Dr. Peter K. Rogan Lab, Western University
No classification provided (evidence only). Condition: Colon adenocarcinoma. Review status: no classification provided. Collection method: in vitro. Allele origin: not applicable. Functional consequence: skipped exon, retained intron. Not counted in ClinVar's aggregate classification.

Dr. Peter K. Rogan Lab, Western University
No classification provided (evidence only). Condition: Colorectal cancer. Review status: no classification provided. Collection method: in vitro. Allele origin: not applicable. Functional consequence: skipped exon. Not counted in ClinVar's aggregate classification.

Dr. Peter K. Rogan Lab, Western University
No classification provided (evidence only). Condition: Colorectal cancer. Review status: no classification provided. Collection method: in vitro. Allele origin: not applicable. Functional consequence: skipped exon. Not counted in ClinVar's aggregate classification.

Dr. Peter K. Rogan Lab, Western University
No classification provided (evidence only). Condition: Colorectal cancer. Review status: no classification provided. Collection method: in vitro. Allele origin: not applicable. Functional consequence: skipped exon. Not counted in ClinVar's aggregate classification.

Dr. Peter K. Rogan Lab, Western University
No classification provided (evidence only). Condition: Thyroid cancer, nonmedullary, 1. Review status: no classification provided. Collection method: in vitro. Allele origin: not applicable. Functional consequence: skipped exon. Not counted in ClinVar's aggregate classification.

Dr. Peter K. Rogan Lab, Western University
No classification provided (evidence only). Condition: Thyroid cancer, nonmedullary, 1. Review status: no classification provided. Collection method: in vitro. Allele origin: not applicable. Functional consequence: skipped exon. Not counted in ClinVar's aggregate classification.

Dr. Peter K. Rogan Lab, Western University
No classification provided (evidence only). Condition: Thyroid cancer, nonmedullary, 1. Review status: no classification provided. Collection method: in vitro. Allele origin: not applicable. Functional consequence: skipped exon. Not counted in ClinVar's aggregate classification.

Dr. Peter K. Rogan Lab, Western University
No classification provided (evidence only). Condition: Thyroid cancer, nonmedullary, 1. Review status: no classification provided. Collection method: in vitro. Allele origin: not applicable. Functional consequence: skipped exon, retained intron. Not counted in ClinVar's aggregate classification.

Dr. Peter K. Rogan Lab, Western University
No classification provided (evidence only). Condition: Thyroid cancer, nonmedullary, 1. Review status: no classification provided. Collection method: in vitro. Allele origin: not applicable. Functional consequence: skipped exon. Not counted in ClinVar's aggregate classification.

Dr. Peter K. Rogan Lab, Western University
No classification provided (evidence only). Condition: Thyroid cancer, nonmedullary, 1. Review status: no classification provided. Collection method: in vitro. Allele origin: not applicable. Functional consequence: skipped exon. Not counted in ClinVar's aggregate classification.

Dr. Peter K. Rogan Lab, Western University
No classification provided (evidence only). Condition: Thyroid cancer, nonmedullary, 1. Review status: no classification provided. Collection method: in vitro. Allele origin: not applicable. Functional consequence: skipped exon. Not counted in ClinVar's aggregate classification.

Dr. Peter K. Rogan Lab, Western University
No classification provided (evidence only). Condition: Thyroid cancer, nonmedullary, 1. Review status: no classification provided. Collection method: in vitro. Allele origin: not applicable. Functional consequence: skipped exon. Not counted in ClinVar's aggregate classification.

Dr. Peter K. Rogan Lab, Western University
No classification provided (evidence only). Condition: Thyroid cancer, nonmedullary, 1. Review status: no classification provided. Collection method: in vitro. Allele origin: not applicable. Functional consequence: skipped exon. Not counted in ClinVar's aggregate classification.

Dr. Peter K. Rogan Lab, Western University
No classification provided (evidence only). Condition: Uterine corpus endometrial carcinoma. Review status: no classification provided. Collection method: in vitro. Allele origin: not applicable. Functional consequence: skipped exon. Not counted in ClinVar's aggregate classification.

Dr. Peter K. Rogan Lab, Western University
No classification provided (evidence only). Condition: Cervical cancer. Review status: no classification provided. Collection method: in vitro. Allele origin: not applicable. Functional consequence: skipped exon. Not counted in ClinVar's aggregate classification.